The following is an entry in ClinVar:

ClinVar aggregate classification (germline): Pathogenic (1 of 4 stars; one submission).

Submission:

ISCA Site 6
Classification: Pathogenic. Last evaluated: 2011-08-12. Review status: criteria provided, single submitter. Criteria: Kaminsky et al. (Genet Med. 2011). Collection method: clinical testing. Allele origin: unknown. Affected: yes. Observed: 2 variant alleles.
Comment: Copy number variation identified through the course of routine clinical cytogenomic testing in postnatal populations. Clinical assertions have been curated as described in Kaminsky et al. 2011.

GRCh38/hg38 17p11.2(chr17:16858444-20465067)x1

Genes: AKAP10 (A-kinase anchoring protein 10; minus strand), ALDH3A1 (aldehyde dehydrogenase 3 family member A1; minus strand), ALDH3A2 (aldehyde dehydrogenase 3 family member A2; plus strand), ALKBH5 (alkB homolog 5, RNA demethylase; plus strand), ATPAF2 (ATP synthase mitochondrial F1 complex assembly factor 2; minus strand) and 242 more. Cytogenetic location: 17p11.2.
Variant type: copy number loss.
Change: copy number 1 (one copy instead of two) of chr17:16,858,444-20,465,067 (3.61 Mb, GRCh38 coordinates, 1-based), cytogenetic band 17p11.2.
Identifiers: ClinVar variation 60457 (VCV000060457.2).